The following is an entry in ClinVar:

ClinVar aggregate classification (germline): Pathogenic. Review status: reviewed by expert panel (3 of 4 stars). 3 submissions from 3 submitters: Pathogenic (1). 2 of the submissions do not count toward it. Last evaluated 2020-12-09.

Conditions:
Macrothrombocytopenia. Identifiers: MedGen C2751260, HP:0040185.
Glanzmann thrombasthenia. Also called: BLEEDING DISORDER, PLATELET-TYPE, 2; THROMBASTHENIA OF GLANZMANN AND NAEGELI; Thrombasthenia; PLATELET GLYCOPROTEIN IIb-IIIa DEFICIENCY; Glanzmann's thrombasthenia. Identifiers: Orphanet 849, MedGen C0040015, MONDO:0100326.

Submissions (3):

ClinGen Platelet Disorders Variant Curation Expert Panel, ClinGen
Classification: Pathogenic for Glanzmann thrombasthenia. Last evaluated: 2020-12-09. Review status: reviewed by expert panel. Criteria: ClinGen Platelet ACMG Specifications v2. Collection method: curation. Allele origin: germline. Inheritance: Autosomal recessive inheritance.
Comment: The p.Leu717fsTer3 variant on ITGA2B is a frameshift variant located on exon 21,which is predicted to introduce a premature stop codon leading to nonsense medicated decay and loss of protein function. This variant has been reported in at least one proband in a homozygous state who meets criteria for the GT phenotype. This variant is absent from all large population databases. In summary, p.Leu717fs*3 variant meets criteria for PVS1, PP4_strong, PM3_supporting and PM2_supporting and is classified as Pathogenic for GT.

Labcorp Genetics (formerly Invitae), Labcorp
Classification: Pathogenic for Glanzmann thrombasthenia. Last evaluated: 2020-02-05. Review status: criteria provided, single submitter. Criteria: Invitae Variant Classification Sherloc (09022015). Collection method: clinical testing. Allele origin: germline. Not counted in ClinVar's aggregate classification.
Comment: For these reasons, this variant has been classified as Pathogenic. Loss-of-function variants in ITGA2B are known to be pathogenic (PMID: 21917754). This variant has been observed in individual(s) with autosomal recessive Glanzmann thrombasthenia (PMID: 25728920). ClinVar contains an entry for this variant (Variation ID: 627273). This variant is not present in population databases (ExAC no frequency). This sequence change creates a premature translational stop signal (p.Leu717Alafs*3) in the ITGA2B gene. It is expected to result in an absent or disrupted protein product.

NIHR Bioresource Rare Diseases, University of Cambridge
Classification: Likely pathogenic for Macrothrombocytopenia. Last evaluated: 2019-02-01. Review status: criteria provided, single submitter. Criteria: ACMG Guidelines, 2015. Collection method: research. Allele origin: unknown. Affected: yes. Observed: 1 homozygote. Study: ThromboGenomics. Not counted in ClinVar's aggregate classification.

Literature cited by the submitters: PubMed 21917754 (cited by Labcorp Genetics (formerly Invitae), Labcorp); PubMed 25728920 (cited by Labcorp Genetics (formerly Invitae), Labcorp); PubMed 31064749 (cited by NIHR Bioresource Rare Diseases, University of Cambridge).

NM_000419.5(ITGA2B):c.2148dup (p.Leu717fs)

Gene: ITGA2B (integrin subunit alpha 2b; minus strand). Cytogenetic location: 17q21.31.
Variant type: Duplication.
Coding change: c.2148dup on transcript NM_000419.5 (MANE Select); coding-DNA position 2148, one base duplicated (G; older notation c.2148dupG).
Protein change: p.Leu717fs; shifts the reading frame from leucine 717.
Molecular consequence: frameshift variant.
Genome position (GRCh38, 1-based): chr17:44,377,737, C duplicated on the plus strand (G on the coding strand, the reverse complement: ITGA2B is on the minus strand). VCF-style (leftmost placement, unchanged base first): chr17-44377736-G-GC. GRCh37 (hg19) VCF-style: chr17-42455104-G-GC.
Other names: c.2148dupG (NM_000419.3); c.2148dup (LRG_479t1); short protein forms L717fs.
Identifiers: ClinVar variation 627273 (VCV000627273.10), dbSNP rs1598377980, ClinGen allele CA915940304.